The following is an entry in ClinVar:

NM_001903.5(CTNNA1):c.2621A>G (p.Lys874Arg)

Gene: CTNNA1 (catenin alpha 1; plus strand). Cytogenetic location: 5q31.2.
Variant type: single nucleotide variant.
Coding change: c.2621A>G on transcript NM_001903.5 (MANE Select); coding-DNA position 2621, A replaced by G.
Protein change: p.Lys874Arg; replaces lysine 874 with arginine.
Molecular consequence: missense variant. On other transcripts: 3 prime UTR variant (5).
Genome position (GRCh38, 1-based): chr5:138,933,989, A>G. VCF-style: chr5-138933989-A-G. GRCh37 (hg19) VCF-style: chr5-138269678-A-G.
Other names: c.*166A>G (NM_001290307.3, NM_001324002.1, NM_001324003.1 and 2 more transcripts); c.2312A>G, p.Lys771Arg (NM_001290309.3); c.2252A>G, p.Lys751Arg (NM_001290310.3); c.1511A>G, p.Lys504Arg (NM_001290312.1, NM_001323996.1, NM_001323997.1 and 12 more transcripts); c.2621A>G, p.Lys874Arg (NM_001323982.2, NM_001323983.1, NM_001323984.2); c.2594A>G, p.Lys865Arg (NM_001323985.2); c.2528A>G, p.Lys843Arg (NM_001323986.2); c.1376A>G, p.Lys459Arg (NM_001324001.1); and 3 more; short protein forms K423R, K459R, K473R, K504R, K751R, K771R, K391R, K843R.
Identifiers: ClinVar variation 2010967 (VCV002010967.4), dbSNP rs2533954972, ClinGen allele CA361135620.

ClinVar aggregate classification (germline): Uncertain significance (1 of 4 stars; one submission).

Submission:

Labcorp Genetics (formerly Invitae), Labcorp
Classification: Uncertain significance. Last evaluated: 2022-06-26. Review status: criteria provided, single submitter. Criteria: Invitae Variant Classification Sherloc (09022015). Collection method: clinical testing. Allele origin: germline.
Comment: In summary, the available evidence is currently insufficient to determine the role of this variant in disease. Therefore, it has been classified as a Variant of Uncertain Significance. Algorithms developed to predict the effect of missense changes on protein structure and function are either unavailable or do not agree on the potential impact of this missense change (SIFT: "Deleterious"; PolyPhen-2: "Benign"; Align-GVGD: "Class C0"). This variant has not been reported in the literature in individuals affected with CTNNA1-related conditions. This variant is not present in population databases (gnomAD no frequency). This sequence change replaces lysine, which is basic and polar, with arginine, which is basic and polar, at codon 874 of the CTNNA1 protein (p.Lys874Arg).